The following is an entry in ClinVar:

ClinVar aggregate classification (germline): Likely benign. Review status: criteria provided, multiple submitters, no conflicts (2 of 4 stars). 3 submissions from 3 submitters: Likely benign (3). Last evaluated 2025-12-02.

Conditions:
Cardiovascular phenotype. Identifiers: MedGen CN230736.
TTN-related disorder. Also called: TTN-related disorders; TTN-related condition; TTN-related disease.
Dilated cardiomyopathy 1G (CMD1G). Identifiers: Orphanet 154, MedGen C1858763, MONDO:0011400, OMIM 604145.
Autosomal recessive limb-girdle muscular dystrophy type 2J (LGMDR10). Also called: Limb-girdle muscular dystrophy, type 2J; MUSCULAR DYSTROPHY, LIMB-GIRDLE, AUTOSOMAL RECESSIVE 10. Identifiers: Orphanet 140922, MedGen C1837342, MONDO:0012127, OMIM 608807.

Allele frequency attached by ClinVar (database versions not stated): gnomAD exomes below 0.00001; gnomAD 0.00007; TOPMed 0.00007.

Submissions (3):

PreventionGenetics, part of Exact Sciences
Classification: Likely benign for TTN-related condition. Last evaluated: 2025-12-02. Review status: criteria provided, single submitter. Criteria: ACMG Guidelines, 2015. Collection method: clinical testing. Allele origin: germline.
Comment: This variant is classified as likely benign based on ACMG/AMP sequence variant interpretation guidelines (Richards et al. 2015 PMID: 25741868, with internal and published modifications).

Labcorp Genetics (formerly Invitae), Labcorp
Classification: Likely benign for Dilated cardiomyopathy 1G; Autosomal recessive limb-girdle muscular dystrophy type 2J. Last evaluated: 2025-11-13. Review status: criteria provided, single submitter. Criteria: Invitae Variant Classification Sherloc (09022015). Collection method: clinical testing. Allele origin: germline.

Ambry Genetics
Classification: Likely benign for Cardiovascular phenotype. Last evaluated: 2019-12-11. Review status: criteria provided, single submitter. Criteria: Ambry Variant Classification Scheme 2023. Collection method: clinical testing. Allele origin: germline.

NM_001267550.2(TTN):c.59331A>G (p.Val19777=)

Genes: TTN (titin; minus strand), TTN-AS1 (TTN antisense RNA 1; plus strand), LOC126806424 (CDK7 strongly-dependent group 2 enhancer GRCh37_chr2:179456337-179457536; plus strand). Cytogenetic location: 2q31.2.
Variant type: single nucleotide variant.
Coding change: c.59331A>G on transcript NM_001267550.2 (MANE Select); coding-DNA position 59331, A replaced by G.
Protein change: p.Val19777=; no amino-acid change (valine 19777 retained).
Molecular consequence: synonymous variant.
Genome position (GRCh38, 1-based): chr2:178,592,788, T>C on the plus strand (A>G on the coding strand, the complement: TTN is on the minus strand). VCF-style: chr2-178592788-T-C. GRCh37 (hg19) VCF-style: chr2-179457515-T-C.
Other names: c.54408A>G, p.Val18136= (NM_001256850.1); c.32136A>G, p.Val10712= (NM_003319.4); c.51627A>G, p.Val17209= (NM_133378.4); c.32511A>G, p.Val10837= (NM_133432.3); c.32712A>G, p.Val10904= (NM_133437.4).
Identifiers: ClinVar variation 1152206 (VCV001152206.12), dbSNP rs879087831, ClinGen allele CA60970870.